The following is an entry in ClinVar:

NM_015164.4(PLEKHM2):c.2135C>T (p.Pro712Leu)

Gene: PLEKHM2 (pleckstrin homology and RUN domain containing M2; plus strand). Cytogenetic location: 1p36.21.
Variant type: single nucleotide variant.
Coding change: c.2135C>T on transcript NM_015164.4 (MANE Select); coding-DNA position 2135, C replaced by T.
Protein change: p.Pro712Leu; replaces proline 712 with leucine.
Molecular consequence: missense variant.
Genome position (GRCh38, 1-based): chr1:15,729,856, C>T. VCF-style: chr1-15729856-C-T. GRCh37 (hg19) VCF-style: chr1-16056351-C-T.
Other names: c.2135C>T (NM_015164.2); short protein forms P712L.
Identifiers: ClinVar variation 1037688 (VCV001037688.9), dbSNP rs771712474, ClinGen allele CA617150.

ClinVar aggregate classification (germline): Uncertain significance. Review status: criteria provided, multiple submitters, no conflicts (2 of 4 stars). 2 submissions from 2 submitters: Uncertain significance (2). Last evaluated 2025-01-02.

Allele frequency attached by ClinVar (database versions not stated): TOPMed below 0.00001; gnomAD 0.00001; gnomAD exomes 0.00001; ExAC 0.00002.
gnomAD v4.1: 3 of 1,612,976 alleles (0.00019%); highest among the groups gnomAD compares: East Asian, 0.0045%; no homozygotes.

Submissions (2):

Labcorp Genetics (formerly Invitae), Labcorp
Classification: Uncertain significance. Last evaluated: 2025-01-02. Review status: criteria provided, single submitter. Criteria: Invitae Variant Classification Sherloc (09022015). Collection method: clinical testing. Allele origin: germline.
Comment: This sequence change replaces proline, which is neutral and non-polar, with leucine, which is neutral and non-polar, at codon 712 of the PLEKHM2 protein (p.Pro712Leu). This variant is present in population databases (rs771712474, gnomAD 0.02%). This variant has not been reported in the literature in individuals affected with PLEKHM2-related conditions. ClinVar contains an entry for this variant (Variation ID: 1037688). An algorithm developed to predict the effect of missense changes on protein structure and function (PolyPhen-2) suggests that this variant is likely to be disruptive. In summary, the available evidence is currently insufficient to determine the role of this variant in disease. Therefore, it has been classified as a Variant of Uncertain Significance.

Ambry Genetics
Classification: Uncertain significance. Last evaluated: 2024-07-27. Review status: criteria provided, single submitter. Criteria: Ambry Variant Classification Scheme 2023. Collection method: clinical testing. Allele origin: germline.